The following is an entry in ClinVar:

NM_007118.4(TRIO):c.8364G>A (p.Trp2788Ter)

Gene: TRIO (trio Rho guanine nucleotide exchange factor; plus strand). Cytogenetic location: 5p15.2.
Variant type: single nucleotide variant.
Coding change: c.8364G>A on transcript NM_007118.4 (MANE Select); coding-DNA position 8364, G replaced by A.
Protein change: p.Trp2788Ter; replaces tryptophan 2788 with a stop codon.
Molecular consequence: nonsense. On other transcripts: non-coding transcript variant (1).
Genome position (GRCh38, 1-based): chr5:14,502,610, G>A. VCF-style: chr5-14502610-G-A. GRCh37 (hg19) VCF-style: chr5-14502719-G-A.
Other names: short protein forms W2788*.
Identifiers: ClinVar variation 3343386 (VCV003343386.1).

ClinVar aggregate classification (germline): Pathogenic (1 of 4 stars; one submission).

Submission:

GeneDx
Classification: Pathogenic. Last evaluated: 2024-03-04. Review status: criteria provided, single submitter. Criteria: GeneDx Variant Classification Process June 2021. Collection method: clinical testing. Allele origin: germline. Affected: yes.
Comment: Nonsense variant predicted to result in protein truncation or nonsense mediated decay in a gene for which loss of function is a known mechanism of disease; Not observed at significant frequency in large population cohorts (gnomAD); Has not been previously published as pathogenic or benign to our knowledge